The following is an entry in ClinVar:

NM_017780.4(CHD7):c.2124T>C (p.Ser708=)

Gene: CHD7 (chromodomain helicase DNA binding protein 7; plus strand). Cytogenetic location: 8q12.2.
Variant type: single nucleotide variant.
Coding change: c.2124T>C on transcript NM_017780.4 (MANE Select); coding-DNA position 2124, T replaced by C.
Protein change: p.Ser708=; no amino-acid change (serine 708 retained).
Molecular consequence: synonymous variant. On other transcripts: intron variant (1).
Genome position (GRCh38, 1-based): chr8:60,795,013, T>C. VCF-style: chr8-60795013-T-C. GRCh37 (hg19) VCF-style: chr8-61707572-T-C.
Other names: c.1716+13963T>C (NM_001316690.1).
Identifiers: ClinVar variation 95777 (VCV000095777.40), dbSNP rs79302359, ClinGen allele CA148850.
Genomic context (GRCh38, chr8:60,795,013, plus strand): 5'-AGTGAACACTAAGCGATCCACTTTGAATTCTAGTAATAAGAAACCTGACTCAGAAGCAAG[T>C]GCTTTGAAGAAAAAGGTCAACAAGGGAAAAACAGAAGGTTCTGAAAATTCAGACTTAGAC-3'
Protein context (NP_060250.2, residues 698-718): SSNKKPDSEA[Ser708=]ALKKKVNKGK

ClinVar aggregate classification (germline): Benign/Likely benign. Review status: criteria provided, multiple submitters, no conflicts (2 of 4 stars). 13 submissions from 13 submitters: Benign (10); Likely benign (1). 2 of the submissions do not count toward it. Last evaluated 2026-02-03.

Conditions:
Inborn genetic diseases. Identifiers: MedGen C0950123, MeSH D030342.
Hypogonadotropic hypogonadism 5 with or without anosmia (KAL5). Also called: CHD7-Related GnRH Deficiency (Kallmann Syndrome 5); HYPOGONADOTROPIC HYPOGONADISM 5 WITH ANOSMIA; HYPOGONADOTROPHIC HYPOGONADISM 5 WITHOUT ANOSMIA. Identifiers: Orphanet 478, MedGen C3552553, MONDO:0012880, OMIM 612370. Disease mechanism: loss of function.
CHARGE syndrome (CHARGE). Also called: CHARGE ASSOCIATION--COLOBOMA, HEART ANOMALY, CHOANAL ATRESIA, RETARDATION, GENITAL AND EAR ANOMALIES; Hittner Hirsch Kreh syndrome; Coloboma, heart anomaly, choanal atresia, retardation, genital and ear anomalies; CHARGE association; Hall-Hittner syndrome. Identifiers: Orphanet 138, MedGen C0265354, MONDO:0008965.

Allele frequency attached by ClinVar (database versions not stated): gnomAD exomes 0.00633 and 0.01249; gnomAD 0.01909 and 0.01911; ESP Exome Variant Server 0.01991; 1000 Genomes Project 0.02556; ExAC 0.01353; TOPMed 0.02030; 1000 Genomes Project 30x 0.02592.
gnomAD v4.1: 12,419 of 1,613,616 alleles (0.77%); highest among the groups gnomAD compares: African/African-American, 5.5%; 307 homozygotes.

Submissions (13):

Labcorp Genetics (formerly Invitae), Labcorp
Classification: Benign for CHARGE syndrome. Last evaluated: 2026-02-03. Review status: criteria provided, single submitter. Criteria: Invitae Variant Classification Sherloc (09022015). Collection method: clinical testing. Allele origin: germline.

Fulgent Genetics
Classification: Likely benign for CHD7-related CHARGE syndrome; Hypogonadotropic hypogonadism 5 with or without anosmia. Last evaluated: 2021-09-01. Review status: criteria provided, single submitter. Criteria: ACMG Guidelines, 2015. Collection method: clinical testing. Allele origin: unknown.

Women's Health and Genetics/Laboratory Corporation of America, LabCorp
Classification: Benign. Last evaluated: 2019-05-13. Review status: criteria provided, single submitter. Criteria: LabCorp Variant Classification Summary - May 2015. Collection method: clinical testing. Allele origin: germline.
Comment: Variant summary: CHD7 c.2124T>C alters a non-conserved nucleotide resulting in a synonymous change. 5/5 computational tools predict no significant impact on normal splicing. However, these predictions have yet to be confirmed by functional studies. The variant allele was found at a frequency of 0.012 in 248850 control chromosomes in the gnomAD database, including 84 homozygotes. The observed variant frequency is approximately 9988.34 fold of the estimated maximal expected allele frequency for a pathogenic variant in CHD7 causing Congenital Heart Disease phenotype (1.3e-06), strongly suggesting that the variant is benign. Four clinical diagnostic laboratories have submitted clinical-significance assessments for this variant to ClinVar after 2014 without evidence for independent evaluation. All laboratories classified the variant as benign/likely benign. Based on the evidence outlined above, the variant was classified as benign.

Laboratory for Molecular Medicine, Mass General Brigham Personalized Medicine
Classification: Benign. Last evaluated: 2018-08-08. Review status: criteria provided, single submitter. Criteria: LMM Criteria. Collection method: clinical testing. Allele origin: germline. Observed: 4 variant alleles.
Comment: The p.Ser708Ser variant in CHD7 is classified as benign because it is present in 5.5% (1328/23984) of African chromosomes by the Genome Aggregation Database (gn omAD). ACMG/AMP Criteria applied: BA1.

Illumina Laboratory Services, Illumina
Classification: Benign for Kallmann Syndrome 5. Last evaluated: 2018-01-13. Review status: criteria provided, single submitter. Criteria: ICSL Variant Classification Criteria 13 December 2019. Collection method: clinical testing. Allele origin: germline.
Comment: This variant was observed in the ICSL laboratory as part of a predisposition screen in an ostensibly healthy population. It had not been previously curated by ICSL or reported in the Human Gene Mutation Database (HGMD: prior to June 1st, 2018), and was therefore a candidate for classification through an automated scoring system. Utilizing variant allele frequency, disease prevalence and penetrance estimates, and inheritance mode, an automated score was calculated to assess if this variant is too frequent to cause the disease. Based on the score and internal cut-off values, a variant classified as benign is not then subjected to further curation. The score for this variant resulted in a classification of benign for this disease.

Ambry Genetics
Classification: Benign for Inborn genetic diseases. Last evaluated: 2016-05-06. Review status: criteria provided, single submitter. Criteria: Ambry Variant Classification Scheme 2023. Collection method: clinical testing. Allele origin: germline.

GeneDx
Classification: Benign. Last evaluated: 2015-03-03. Review status: criteria provided, single submitter. Criteria: GeneDx Variant Classification Process June 2021. Collection method: clinical testing. Allele origin: germline. Affected: yes.

Eurofins Ntd Llc (ga)
Classification: Benign. Last evaluated: 2014-10-28. Review status: criteria provided, single submitter. Criteria: EGL Classification Definitions 2015. Collection method: clinical testing. Allele origin: germline. Observed: 6 variant alleles, 6 heterozygotes.

Genetic Services Laboratory, University of Chicago
Classification: Benign. Last evaluated: 2013-02-08. Review status: criteria provided, single submitter. Criteria: ACMG Guidelines, 2007. Collection method: clinical testing. Allele origin: germline. Inheritance: Autosomal dominant inheritance.

Breakthrough Genomics
Classification: Benign. Review status: criteria provided, single submitter. Criteria: ACMG Guidelines, 2015. Collection method: not provided. Allele origin: germline. Inheritance: Autosomal dominant inheritance. Affected: yes.

PreventionGenetics, part of Exact Sciences
Classification: Benign. Review status: criteria provided, single submitter. Criteria: ACMG Guidelines, 2015. Collection method: clinical testing. Allele origin: germline.

Clinical Genetics, Academic Medical Center
Classification: Benign. Review status: no assertion criteria provided. Collection method: clinical testing. Allele origin: germline. Affected: yes. Study: VKGL Data-share Consensus. Not counted in ClinVar's aggregate classification.

Joint Genome Diagnostic Labs from Nijmegen and Maastricht, Radboudumc and MUMC+
Classification: Benign. Review status: no assertion criteria provided. Collection method: clinical testing. Allele origin: germline. Affected: yes. Study: VKGL Data-share Consensus. Not counted in ClinVar's aggregate classification.